The following is an entry in ClinVar:

NM_001379286.1(ZNF423):c.2566A>G (p.Met856Val)

Gene: ZNF423 (zinc finger protein 423; minus strand). Cytogenetic location: 16q12.1.
Variant type: single nucleotide variant.
Coding change: c.2566A>G on transcript NM_001379286.1 (MANE Select); coding-DNA position 2566, A replaced by G.
Protein change: p.Met856Val; replaces methionine 856 with valine.
Molecular consequence: missense variant.
Genome position (GRCh38, 1-based): chr16:49,636,610, T>C on the plus strand (A>G on the coding strand, the complement: ZNF423 is on the minus strand). VCF-style: chr16-49636610-T-C. GRCh37 (hg19) VCF-style: chr16-49670521-T-C.
Other names: c.2362A>G, p.Met788Val (NM_001271620.2); c.2191A>G, p.Met731Val (NM_001330533.2); c.2542A>G, p.Met848Val (NM_015069.5); short protein forms M788V, M848V, M731V, M856V.
Identifiers: ClinVar variation 852500 (VCV000852500.8), dbSNP rs372506673, ClinGen allele CA8046479.
Genomic context (GRCh38, chr16:49,636,610, plus strand): 5'-CCTCAGGGTTCTTAAGCAGCATGCCCTGCAGGTCAGCAGGCTCAGCTTTCTTGGTGGCCA[T>C]TGGGGGTACCCCATTGGCCGTGCCGTTCTCGGTCGCAGCATCAAACACACAGTGCTTCTC-3'
Protein context (NP_001366215.1, residues 846-866): ENGTANGVPP[Met856Val]ATKKAEPADL

ClinVar aggregate classification (germline): Uncertain significance (1 of 4 stars; one submission).

Conditions:
Nephronophthisis 14 (NPHP14). Identifiers: Orphanet 2318, MedGen C3539071, MONDO:0013916, OMIM 614844.

Allele frequency attached by ClinVar (database versions not stated): gnomAD exomes 0.00002 and 0.00004; gnomAD 0.00003 and 0.00004; ExAC 0.00005; TOPMed 0.00005.
gnomAD v4.1: 48 of 1,613,738 alleles (0.003%); highest among the groups gnomAD compares: East Asian, 0.049%; no homozygotes.

Submission:

Labcorp Genetics (formerly Invitae), Labcorp
Classification: Uncertain significance for Nephronophthisis 14. Last evaluated: 2024-02-24. Review status: criteria provided, single submitter. Criteria: Invitae Variant Classification Sherloc (09022015). Collection method: clinical testing. Allele origin: germline.
Comment: This sequence change replaces methionine, which is neutral and non-polar, with valine, which is neutral and non-polar, at codon 848 of the ZNF423 protein (p.Met848Val). This variant is present in population databases (rs372506673, gnomAD 0.06%). This variant has not been reported in the literature in individuals affected with ZNF423-related conditions. ClinVar contains an entry for this variant (Variation ID: 852500). Advanced modeling of protein sequence and biophysical properties (such as structural, functional, and spatial information, amino acid conservation, physicochemical variation, residue mobility, and thermodynamic stability) performed at Invitae indicates that this missense variant is not expected to disrupt ZNF423 protein function with a negative predictive value of 80%. In summary, the available evidence is currently insufficient to determine the role of this variant in disease. Therefore, it has been classified as a Variant of Uncertain Significance.